The following is an entry in ClinVar:

NM_002439.5(MSH3):c.1639A>G (p.Ile547Val)

Gene: MSH3 (mutS homolog 3; plus strand). Cytogenetic location: 5q14.1.
Variant type: single nucleotide variant.
Coding change: c.1639A>G on transcript NM_002439.5 (MANE Select); coding-DNA position 1639, A replaced by G.
Protein change: p.Ile547Val; replaces isoleucine 547 with valine.
Molecular consequence: missense variant.
Genome position (GRCh38, 1-based): chr5:80,741,534, A>G. VCF-style: chr5-80741534-A-G. GRCh37 (hg19) VCF-style: chr5-80037353-A-G.
Other names: short protein forms I547V.
Identifiers: ClinVar variation 1351886 (VCV001351886.8), dbSNP rs1743614449, ClinGen allele CA360274572.

ClinVar aggregate classification (germline): Uncertain significance (1 of 4 stars; one submission).

Allele frequency attached by ClinVar (database versions not stated): gnomAD exomes below 0.00001.
gnomAD v4.1: 2 of 1,609,452 alleles (0.00012%); highest among the groups gnomAD compares: East Asian, 0.0045%; no homozygotes.

Submission:

Labcorp Genetics (formerly Invitae), Labcorp
Classification: Uncertain significance. Last evaluated: 2021-05-07. Review status: criteria provided, single submitter. Criteria: Invitae Variant Classification Sherloc (09022015). Collection method: clinical testing. Allele origin: germline.
Comment: This sequence change replaces isoleucine with valine at codon 547 of the MSH3 protein (p.Ile547Val). The isoleucine residue is highly conserved and there is a small physicochemical difference between isoleucine and valine. This variant is not present in population databases (ExAC no frequency). This variant has not been reported in the literature in individuals with MSH3-related conditions. Algorithms developed to predict the effect of missense changes on protein structure and function (SIFT, PolyPhen-2, Align-GVGD) all suggest that this variant is likely to be tolerated, but these predictions have not been confirmed by published functional studies and their clinical significance is uncertain. In summary, the available evidence is currently insufficient to determine the role of this variant in disease. Therefore, it has been classified as a Variant of Uncertain Significance.